The following is an entry in ClinVar:

NM_007294.4(BRCA1):c.5454C>T (p.Asp1818=)

Gene: BRCA1 (BRCA1 DNA repair associated; minus strand). Cytogenetic location: 17q21.31.
Variant type: single nucleotide variant.
Coding change: c.5454C>T on transcript NM_007294.4 (MANE Select); coding-DNA position 5454, C replaced by T.
Protein change: p.Asp1818=; no amino-acid change (aspartic acid 1818 retained).
Molecular consequence: synonymous variant. On other transcripts: nonsense (17).
Genome position (GRCh38, 1-based): chr17:43,047,656, G>A on the plus strand (C>T on the coding strand, the complement: BRCA1 is on the minus strand). VCF-style: chr17-43047656-G-A. GRCh37 (hg19) VCF-style: chr17-41199673-G-A.
Other names: c.5310C>T, p.Asp1770= (NM_001407735.1, NM_001407736.1, NM_001407737.1 and 18 more transcripts); c.5307C>T, p.Asp1769= (NM_001407838.1, NM_001407839.1, NM_001407841.1 and 12 more transcripts); c.5250C>T, p.Asp1750= (NM_001407863.1); c.5247C>T, p.Asp1749= (NM_001407874.1, NM_001407875.1); c.5244C>T, p.Asp1748= (NM_001407879.1, NM_001407881.1, NM_001407882.1 and 5 more transcripts); c.5241C>T, p.Asp1747= (NM_001407894.1, NM_001407895.1, NM_001407896.1 and 12 more transcripts); c.5238C>T, p.Asp1746= (NM_001407915.1, NM_001407916.1, NM_001407917.1 and 1 more transcripts); c.5202C>T, p.Asp1734= (NM_001407919.1); and 83 more; short protein forms Q690*, Q1792*, Q689*, Q1746*, Q1752*, Q1794*, Q1747*, Q1751*.
Identifiers: ClinVar variation 489734 (VCV000489734.18), dbSNP rs1555574705, ClinGen allele CA10590476.

ClinVar aggregate classification (germline): Conflicting classifications of pathogenicity. Review status: criteria provided, conflicting classifications (1 of 4 stars). 4 submissions from 4 submitters: Uncertain significance (2); Likely benign (1). 1 of the submissions does not count toward it. Last evaluated 2020-01-15.

Conditions:
Hereditary cancer-predisposing syndrome. Also called: Tumor predisposition; Hereditary Cancer Syndrome; Hereditary neoplastic syndrome; Neoplastic Syndromes, Hereditary. Identifiers: Orphanet 140162, MedGen C0027672, MeSH D009386, MONDO:0015356.

Submissions (5):

Color Diagnostics, LLC DBA Color Health
Classification: Uncertain significance for Hereditary cancer-predisposing syndrome. Last evaluated: 2020-01-15. Review status: criteria provided, single submitter. Criteria: ACMG Guidelines, 2015. Collection method: clinical testing. Allele origin: germline.
Comment: This synonymous variant does not change the amino acid sequence of the BRCA1 protein. However, a different variant occurring in the same codon, c.5453A>G, results in skipping of exon 22 (BIC exon 23) and is known to be pathogenic (Clinvar variation ID: 37672), suggesting that an exonic splice enhancer may overlap with this codon (PMID 20875879). To our knowledge, functional studies have not been performed for this variant. This variant has not been reported in individuals affected with hereditary cancer in the literature. This variant has not been identified in the general population by the Genome Aggregation Database (gnomAD). The available evidence is insufficient to determine the role of this variant in disease conclusively. Therefore, this variant is classified as a Variant of Uncertain Significance.

Quest Diagnostics Nichols Institute San Juan Capistrano
Classification: Uncertain significance. Last evaluated: 2018-12-05. Review status: criteria provided, single submitter. Criteria: Quest Diagnostics criteria. Collection method: clinical testing. Allele origin: germline.

Ambry Genetics
Classification: Likely benign for Hereditary cancer-predisposing syndrome. Last evaluated: 2018-02-23. Review status: criteria provided, single submitter. Criteria: Ambry Variant Classification Scheme 2023. Collection method: clinical testing. Allele origin: germline.

King Laboratory, University of Washington
Classification: Benign. Last evaluated: 2019-09-01. Review status: no assertion criteria provided. Collection method: research. Allele origin: germline. Affected: yes. Not counted in ClinVar's aggregate classification.
Comment: Transcript analysis by cBROCA

Brotman Baty Institute, University of Washington
No classification provided (evidence only). Condition: Breast-ovarian cancer, familial 1. Review status: no classification provided. Collection method: in vitro. Allele origin: not applicable. Functional consequence: functionally_normal. Not counted in ClinVar's aggregate classification.
ClinVar note: "not provided" was previously submitted as the classification for the variant. However, the classification appeared to be based only on an observation of functional data so it was converted to no classification on 2025-07-30.

Literature cited by the submitters: PubMed 31843900 (cited by King Laboratory, University of Washington).